The following is an entry in ClinVar:

ClinVar aggregate classification (germline): Uncertain significance (1 of 4 stars; one submission).

Conditions:
Dilated cardiomyopathy 1G (CMD1G). Identifiers: Orphanet 154, MedGen C1858763, MONDO:0011400, OMIM 604145.
Autosomal recessive limb-girdle muscular dystrophy type 2J (LGMDR10). Also called: MUSCULAR DYSTROPHY, LIMB-GIRDLE, AUTOSOMAL RECESSIVE 10; Limb-girdle muscular dystrophy, type 2J. Identifiers: Orphanet 140922, MedGen C1837342, MONDO:0012127, OMIM 608807.

gnomAD v4.1: 3 of 1,613,910 alleles (0.00019%); highest among the groups gnomAD compares: Non-Finnish European, 0.00017%; no homozygotes.

Submission:

Labcorp Genetics (formerly Invitae), Labcorp
Classification: Uncertain significance for Dilated cardiomyopathy 1G; Autosomal recessive limb-girdle muscular dystrophy type 2J. Last evaluated: 2021-03-13. Review status: criteria provided, single submitter. Criteria: Invitae Variant Classification Sherloc (09022015). Collection method: clinical testing. Allele origin: germline.
Comment: This variant is located in the M band of TTN (PMID: 25589632). Variants in this region may be relevant for neuromuscular disorders, but have not been definitively shown to cause cardiomyopathy (PMID: 23975875). In summary, the available evidence is currently insufficient to determine the role of this variant in disease. Therefore, it has been classified as a Variant of Uncertain Significance. Experimental studies and prediction algorithms are not available or were not evaluated, and the functional significance of this variant is currently unknown. This variant has not been reported in the literature in individuals with TTN-related conditions. This variant is not present in population databases (ExAC no frequency). This sequence change replaces glutamic acid with lysine at codon 34528 of the TTN protein (p.Glu34528Lys). There is a small physicochemical difference between glutamic acid and lysine.

Literature cited by the submitters: PubMed 25589632; PubMed 23975875.

NM_001267550.2(TTN):c.103582G>A (p.Glu34528Lys)

Genes: TTN-AS1 (TTN antisense RNA 1; plus strand), TTN (titin; minus strand). Cytogenetic location: 2q31.2.
Variant type: single nucleotide variant.
Coding change: c.103582G>A on transcript NM_001267550.2 (MANE Select); coding-DNA position 103582, G replaced by A.
Protein change: p.Glu34528Lys; replaces glutamic acid 34528 with lysine.
Molecular consequence: missense variant.
Genome position (GRCh38, 1-based): chr2:178,533,033, C>T on the plus strand (G>A on the coding strand, the complement: TTN is on the minus strand). VCF-style: chr2-178533033-C-T. GRCh37 (hg19) VCF-style: chr2-179397760-C-T.
Other names: c.98659G>A, p.Glu32887Lys (NM_001256850.1); c.76387G>A, p.Glu25463Lys (NM_003319.4); c.95878G>A, p.Glu31960Lys (NM_133378.4); c.76762G>A, p.Glu25588Lys (NM_133432.3); c.76963G>A, p.Glu25655Lys (NM_133437.4); short protein forms E25588K, E34528K, E25463K, E25655K, E31960K, E32887K.
Identifiers: ClinVar variation 1472141 (VCV001472141.6), dbSNP rs2154134838, ClinGen allele CA349413969.
Genomic context (GRCh38, chr2:178,533,033, plus strand): 5'-ACTTGCGTGGCTCTGGTACATCATAAGGCATCCGGAGTTTTCTCTCCTCCTTCTTTTCTT[C>T]TATCTCAAGTCTGAATTCCCCTTTTACAGTCTTGGTGCTTACAGCCGGTTTATAAAGGAC-3'
Protein context (NP_001254479.2, residues 34518-34538): TVKGEFRLEI[Glu34528Lys]EKKEERKLRM